The following is an entry in ClinVar:

ClinVar aggregate classification (germline): Uncertain significance (1 of 4 stars; one submission).

Conditions:
Congenital myasthenic syndrome 8. Also called: Myasthenic syndrome, congenital, 8, with pre- and postsynaptic defects; MYASTHENIC SYNDROME, CONGENITAL, DUE TO AGRIN DEFICIENCY. Identifiers: Orphanet 590, MedGen C3808739, MONDO:0014052, OMIM 615120.

Submission:

Labcorp Genetics (formerly Invitae), Labcorp
Classification: Uncertain significance for Congenital myasthenic syndrome 8. Last evaluated: 2025-06-02. Review status: criteria provided, single submitter. Criteria: Invitae Variant Classification Sherloc (09022015). Collection method: clinical testing. Allele origin: germline.
Comment: This sequence change falls in intron 26 of the AGRN gene. It does not directly change the encoded amino acid sequence of the AGRN protein. This variant is not present in population databases (gnomAD no frequency). This variant has not been reported in the literature in individuals affected with AGRN-related conditions. ClinVar contains an entry for this variant (Variation ID: 3668023). Experimental studies and prediction algorithms are not available or were not evaluated, and the effect of this variant on mRNA splicing is currently unknown. In summary, the available evidence is currently insufficient to determine the role of this variant in disease. Therefore, it has been classified as a Variant of Uncertain Significance.

NM_198576.4(AGRN):c.4745-35_4745-16del

Gene: AGRN (agrin; plus strand). Cytogenetic location: 1p36.33.
Variant type: Deletion.
Coding change: c.4745-35_4745-16del on transcript NM_198576.4 (MANE Select); 35 bases into the intron before coding-DNA position 4745 through 16 bases into the intron before coding-DNA position 4745, 20 bases deleted (GGACCTCGGTCCCGGTCCCG).
Molecular consequence: intron variant.
Genome position (GRCh38, 1-based): chr1:1,049,868-1,049,887, GGACCTCGGTCCCGGTCCCG deleted; deleting any 20 consecutive bases within chr1:1,049,867-1,049,887 gives the same sequence; the c. name uses the placement nearest the transcript's 3' end. VCF-style (leftmost placement, unchanged base first): chr1-1049866-TGGGACCTCGGTCCCGGTCCC-T. GRCh37 (hg19) VCF-style: chr1-985246-TGGGACCTCGGTCCCGGTCCC-T.
Other names: c.4745-35_4745-16del (NM_001305275.2); c.4430-35_4430-16del (NM_001364727.2).
Identifiers: ClinVar variation 3668023 (VCV003668023.2).